The following is an entry in ClinVar:

NM_007294.4(BRCA1):c.5557T>G (p.Tyr1853Asp)

Gene: BRCA1 (BRCA1 DNA repair associated; minus strand). Cytogenetic location: 17q21.31.
Variant type: single nucleotide variant.
Coding change: c.5557T>G on transcript NM_007294.4 (MANE Select); coding-DNA position 5557, T replaced by G.
Protein change: p.Tyr1853Asp; replaces tyrosine 1853 with aspartic acid.
Molecular consequence: missense variant. On other transcripts: 3 prime UTR variant (1), non-coding transcript variant (1).
Genome position (GRCh38, 1-based): chr17:43,045,713, A>C on the plus strand (T>G on the coding strand, the complement: BRCA1 is on the minus strand). VCF-style: chr17-43045713-A-C. GRCh37 (hg19) VCF-style: chr17-41197730-A-C.
Other names: c.5341T>G, p.Tyr1781Asp (NM_001407917.1, NM_001407918.1, NM_001407915.1 and 1 more transcripts); c.5305T>G, p.Tyr1769Asp (NM_001407919.1); c.5293T>G, p.Tyr1765Asp (NM_001407920.1, NM_001407921.1, NM_001407922.1 and 4 more transcripts); c.5344T>G, p.Tyr1782Asp (NM_001407571.1, NM_001407902.1, NM_001407904.1 and 12 more transcripts); c.5623T>G, p.Tyr1875Asp (NM_001407581.1, NM_001407582.1); c.5620T>G, p.Tyr1874Asp (NM_001407583.1, NM_001407585.1, NM_001407587.1 and 1 more transcripts); c.5554T>G, p.Tyr1852Asp (NM_001407610.1, NM_001407611.1, NM_001407612.1 and 14 more transcripts); c.5551T>G, p.Tyr1851Asp (NM_001407629.1, NM_001407630.1, NM_001407631.1 and 13 more transcripts); and 74 more; short protein forms Y1806D, Y1874D, Y749D, Y1853D, Y1684D, Y1769D, Y1786D, Y1809D.
Identifiers: ClinVar variation 865015 (VCV000865015.3), dbSNP rs2050860958, ClinGen allele CA10590207.

Conditions:
Breast-ovarian cancer, familial, susceptibility to, 1 (BROVCA1). Also called: BRCA1 Hereditary Breast and Ovarian Cancer; OVARIAN CANCER, SUSCEPTIBILITY TO. Identifiers: Orphanet 145, MedGen C2676676, MONDO:0011450, OMIM 604370. Disease mechanism: loss of function.

Submission:

Brotman Baty Institute, University of Washington
No classification provided (evidence only). Condition: Breast-ovarian cancer, familial 1. Review status: no classification provided. Collection method: in vitro. Allele origin: not applicable. Functional consequence: functionally_abnormal.
ClinVar note: "not provided" was previously submitted as the classification for the variant. However, the classification appeared to be based only on an observation of functional data so it was converted to no classification on 2025-07-30.